The following is an entry in ClinVar:

ClinVar aggregate classification (germline): Uncertain significance (1 of 4 stars; one submission).

Conditions:
PTPRD-related disorder. Also called: PTPRD-related condition.

Submission:

PreventionGenetics, part of Exact Sciences
Classification: Uncertain significance for PTPRD-related condition. Last evaluated: 2026-07-30. Review status: criteria provided, single submitter. Criteria: ACMG Guidelines, 2015. Collection method: clinical testing. Allele origin: germline.
Comment: The PTPRD c.646C>A variant is predicted to result in the amino acid substitution p.Arg216Ser. To our knowledge, this variant has not been reported in the literature or in a large population database (gnomAD), indicating this variant is rare. At this time, the clinical significance of this variant is uncertain due to the absence of conclusive functional and genetic evidence.

NM_002839.4(PTPRD):c.646C>A (p.Arg216Ser)

Gene: PTPRD (protein tyrosine phosphatase receptor type D; minus strand). Cytogenetic location: 9p24.1.
Variant type: single nucleotide variant.
Coding change: c.646C>A on transcript NM_002839.4 (MANE Select); coding-DNA position 646, C replaced by A.
Protein change: p.Arg216Ser; replaces arginine 216 with serine.
Molecular consequence: missense variant.
Genome position (GRCh38, 1-based): chr9:8,524,958, G>T on the plus strand (C>A on the coding strand, the complement: PTPRD is on the minus strand). VCF-style: chr9-8524958-G-T. GRCh37 (hg19) VCF-style: chr9-8524958-G-T.
Other names: c.637C>A, p.Arg213Ser (NM_001040712.2, NM_001377947.1); c.628C>A, p.Arg210Ser (NM_001171025.2, NM_001377946.1, NM_130393.3); c.646C>A, p.Arg216Ser (NM_001377958.1, NM_001378058.1, NM_130391.4 and 1 more transcripts); short protein forms R216S, R210S, R213S.
Identifiers: ClinVar variation 4991294 (VCV004991294.1).